The following is an entry in ClinVar:

NM_001111125.3(IQSEC2):c.1066A>C (p.Thr356Pro)

Gene: IQSEC2 (IQ motif and Sec7 domain ArfGEF 2; minus strand). Cytogenetic location: Xp11.22.
Variant type: single nucleotide variant.
Coding change: c.1066A>C on transcript NM_001111125.3 (MANE Select); coding-DNA position 1066, A replaced by C.
Protein change: p.Thr356Pro; replaces threonine 356 with proline.
Molecular consequence: missense variant.
Genome position (GRCh38, 1-based): chrX:53,254,865, T>G on the plus strand (A>C on the coding strand, the complement: IQSEC2 is on the minus strand). VCF-style: chrX-53254865-T-G. GRCh37 (hg19) VCF-style: chrX-53284047-T-G.
Other names: c.1066A>C, p.Thr356Pro (NM_001410736.1); c.451A>C, p.Thr151Pro (NM_015075.2); short protein forms T151P, T356P.
Identifiers: ClinVar variation 3372841 (VCV003372841.2).

ClinVar aggregate classification (germline): Likely pathogenic (1 of 4 stars; one submission).

Submission:

GeneDx
Classification: Likely pathogenic. Last evaluated: 2025-07-09. Review status: criteria provided, single submitter. Criteria: GeneDx Variant Classification Process June 2021. Collection method: clinical testing. Allele origin: germline. Affected: yes.
Comment: Not observed at significant frequency in large population cohorts (gnomAD); In silico analysis supports that this missense variant has a deleterious effect on protein structure/function; Has not been previously published as pathogenic or benign to our knowledge; This variant is associated with the following publications: (PMID: 20473311)